The following is an entry in ClinVar:

ClinVar aggregate classification (germline): Uncertain significance (1 of 4 stars; one submission).

Conditions:
Idiopathic generalized epilepsy. Also called: Generalised epilepsy; EIG. Identifiers: MedGen C0270850, MONDO:0005579, OMIM 600669.

gnomAD v4.1: 4 of 1,613,132 alleles (0.00025%); highest among the groups gnomAD compares: Non-Finnish European, 0.00034%; no homozygotes.

Submission:

Labcorp Genetics (formerly Invitae), Labcorp
Classification: Uncertain significance for Idiopathic generalized epilepsy. Last evaluated: 2022-04-28. Review status: criteria provided, single submitter. Criteria: Invitae Variant Classification Sherloc (09022015). Collection method: clinical testing. Allele origin: germline.
Comment: In summary, the available evidence is currently insufficient to determine the role of this variant in disease. Therefore, it has been classified as a Variant of Uncertain Significance. Algorithms developed to predict the effect of missense changes on protein structure and function are either unavailable or do not agree on the potential impact of this missense change (SIFT: "Tolerated"; PolyPhen-2: "Possibly Damaging"; Align-GVGD: "Class C0"). This variant has not been reported in the literature in individuals affected with RBFOX1-related conditions. This variant is not present in population databases (gnomAD no frequency). This sequence change replaces alanine, which is neutral and non-polar, with valine, which is neutral and non-polar, at codon 336 of the RBFOX1 protein (p.Ala336Val).

NM_018723.4(RBFOX1):c.944C>T (p.Ala315Val)

Gene: RBFOX1 (RNA binding fox-1 homolog 1; plus strand). Cytogenetic location: 16p13.3.
Variant type: single nucleotide variant.
Coding change: c.944C>T on transcript NM_018723.4 (MANE Select); coding-DNA position 944, C replaced by T.
Protein change: p.Ala315Val; replaces alanine 315 with valine.
Molecular consequence: missense variant.
Genome position (GRCh38, 1-based): chr16:7,676,787, C>T. VCF-style: chr16-7676787-C-T. GRCh37 (hg19) VCF-style: chr16-7726789-C-T.
Other names: c.863C>T, p.Ala288Val (NM_001142333.2); c.944C>T, p.Ala315Val (NM_001142334.2, NM_001364800.2); c.1073C>T, p.Ala358Val (NM_001308117.1, NM_001411047.1, NM_001415891.1 and 1 more transcripts); c.992C>T, p.Ala331Val (NM_001415897.1, NM_001415907.1); c.1052C>T, p.Ala351Val (NM_001415898.1, NM_001415889.1, NM_001415892.1 and 1 more transcripts); c.1019C>T, p.Ala340Val (NM_001415899.1, NM_001415901.1, NM_001415890.1 and 1 more transcripts); c.971C>T, p.Ala324Val (NM_001415900.1, NM_001415909.1); c.950C>T, p.Ala317Val (NM_001415902.1, NM_001415911.1); and 13 more; short protein forms A290V, A317V, A320V, A284V, A293V, A300V, A309V, A324V.
Identifiers: ClinVar variation 2129390 (VCV002129390.4), dbSNP rs1271196293, ClinGen allele CA394683993.